The following is an entry in ClinVar:

NM_001035.3(RYR2):c.1397C>T (p.Pro466Leu)

Gene: RYR2 (ryanodine receptor 2; plus strand). Cytogenetic location: 1q43.
Variant type: single nucleotide variant.
Coding change: c.1397C>T on transcript NM_001035.3 (MANE Select); coding-DNA position 1397, C replaced by T.
Protein change: p.Pro466Leu; replaces proline 466 with leucine.
Molecular consequence: missense variant.
Genome position (GRCh38, 1-based): chr1:237,454,495, C>T. VCF-style: chr1-237454495-C-T. GRCh37 (hg19) VCF-style: chr1-237617795-C-T.
Other names: short protein forms P466L.
Identifiers: ClinVar variation 2083411 (VCV002083411.4), dbSNP rs967199869, ClinGen allele CA345380430.

ClinVar aggregate classification (germline): Uncertain significance (1 of 4 stars; one submission).

Conditions:
Catecholaminergic polymorphic ventricular tachycardia 1. Also called: VENTRICULAR TACHYCARDIA, CATECHOLAMINERGIC POLYMORPHIC, 1, WITH OR WITHOUT ATRIAL DYSFUNCTION AND/OR DILATED CARDIOMYOPATHY; RYR2-Related Catecholaminergic Polymorphic Ventricular Tachycardia; VENTRICULAR TACHYCARDIA, STRESS-INDUCED POLYMORPHIC 1. Identifiers: Orphanet 3286, MedGen C1631597, MONDO:0011484, OMIM 604772.

gnomAD v4.1: 10 of 1,613,542 alleles (0.00062%); highest among the groups gnomAD compares: Admixed American, 0.0017%; no homozygotes.

Submission:

Labcorp Genetics (formerly Invitae), Labcorp
Classification: Uncertain significance for Catecholaminergic polymorphic ventricular tachycardia 1. Last evaluated: 2022-05-25. Review status: criteria provided, single submitter. Criteria: Invitae Variant Classification Sherloc (09022015). Collection method: clinical testing. Allele origin: germline.
Comment: In summary, the available evidence is currently insufficient to determine the role of this variant in disease. Therefore, it has been classified as a Variant of Uncertain Significance. Advanced modeling of protein sequence and biophysical properties (such as structural, functional, and spatial information, amino acid conservation, physicochemical variation, residue mobility, and thermodynamic stability) performed at Invitae indicates that this missense variant is expected to disrupt RYR2 protein function. This variant has not been reported in the literature in individuals affected with RYR2-related conditions. This variant is present in population databases (no rsID available, gnomAD 0.003%). This sequence change replaces proline, which is neutral and non-polar, with leucine, which is neutral and non-polar, at codon 466 of the RYR2 protein (p.Pro466Leu).